The following is an entry in ClinVar:

NC_000016.10:g.172832C>A

Genes: HBA2 (hemoglobin subunit alpha 2; plus strand), LOC106804612 (hemoglobin subunit alpha 2 recombination region; plus strand). Cytogenetic location: 16p13.3.
Variant type: single nucleotide variant.
Genome position: GRCh38 VCF-style: chr16-172832-C-A. GRCh37 (hg19) VCF-style: chr16-222831-C-A.
Other names: -44 C>A.
Identifiers: ClinVar variation 869219 (VCV000869219.2), dbSNP rs1596569257, ClinGen allele CA916083463.

ClinVar aggregate classification (germline): Uncertain significance. Review status: reviewed by expert panel (3 of 4 stars). 2 submissions from 2 submitters: Uncertain significance (1). 1 of the submissions does not count toward it. Last evaluated 2026-04-08.

Conditions:
HBA2-related alpha thalassemia spectrum. Identifiers: MedGen CN377749, MONDO:0100562.
alpha Thalassemia. Also called: Alpha thalassemia spectrum. Identifiers: Orphanet 846, MedGen C0002312, MONDO:0011399, OMIM 604131.

Submissions (2):

ClinGen Hemoglobinopathy Variant Curation Expert Panel, ClinGen
Classification: Uncertain significance for HBA2-related alpha thalassemia spectrum. Last evaluated: 2026-04-08. Review status: reviewed by expert panel. Criteria: ClinGen Hb Opathy ACMG Specifications HBA2 V1.0.0. Collection method: curation. Allele origin: germline. Inheritance: Autosomal recessive inheritance.
Comment: The c.-81 C>A variant in HBA2 is located in the proximal promoter region within the α-IR sequence motif, a binding site for the transcriptional activator protein α-IRP. This variant has been shown not to impact protein function by immunofluorochemistry [BS3_S; PMID:24300714]. The variant is absent from gnomAD v4.1 (0/215230 alleles), meeting criteria for PM2_Supporting [PM2_P]. Due to insufficient and conflicting evidence, this variant is classified as a Variant of Uncertain Significance (VUS) for autosomal recessive HBA2-related alpha thalassemia spectrum (MONDO:0100562) based on the ACMG/AMP criteria applied, as specified by the ClinGen Hemoglobinopathy VCEP (specification version 1.0.0): BS3_P, PM2_P

The ITHANET community portal, The Cyprus Institute of Neurology and Genetics
Classification: Benign for alpha Thalassemia. Last evaluated: 2019-11-25. Review status: no assertion criteria provided. Collection method: curation. Allele origin: germline. Not counted in ClinVar's aggregate classification.

Literature cited by the submitters: PubMed 24300714 (cited by The ITHANET community portal, The Cyprus Institute of Neurology and Genetics).